The following is an entry in ClinVar:

ClinVar aggregate classification (germline): Likely benign (1 of 4 stars; one submission).

Submission:

GeneDx
Classification: Likely benign. Last evaluated: 2016-11-11. Review status: criteria provided, single submitter. Criteria: GeneDx Variant Classification (06012015). Collection method: clinical testing. Allele origin: germline. Affected: yes.
Comment: This variant is considered likely benign or benign based on one or more of the following criteria: it is a conservative change, it occurs at a poorly conserved position in the protein, it is predicted to be benign by multiple in silico algorithms, and/or has population frequency not consistent with disease.

NM_000302.4(PLOD1):c.2028+11G>C

Gene: PLOD1 (procollagen-lysine,2-oxoglutarate 5-dioxygenase 1; plus strand). Cytogenetic location: 1p36.22.
Variant type: single nucleotide variant.
Coding change: c.2028+11G>C on transcript NM_000302.4 (MANE Select); 11 bases into the intron after coding-DNA position 2028, G replaced by C.
Molecular consequence: intron variant.
Genome position (GRCh38, 1-based): chr1:11,973,008, G>C. VCF-style: chr1-11973008-G-C. GRCh37 (hg19) VCF-style: chr1-12033065-G-C.
Other names: c.2169+11G>C (NM_001316320.2).
Identifiers: ClinVar variation 390731 (VCV000390731.1), dbSNP rs1057523876, ClinGen allele CA16603408.